The following is an entry in ClinVar:

NM_001283009.2(RTEL1):c.2465A>G (p.Gln822Arg)

Genes: RTEL1 (regulator of telomere elongation helicase 1; plus strand), RTEL1-TNFRSF6B (RTEL1-TNFRSF6B readthrough (NMD candidate); plus strand). Cytogenetic location: 20q13.33.
Variant type: single nucleotide variant.
Coding change: c.2465A>G on transcript NM_001283009.2 (MANE Select); coding-DNA position 2465, A replaced by G.
Protein change: p.Gln822Arg; replaces glutamine 822 with arginine.
Molecular consequence: missense variant. On other transcripts: non-coding transcript variant (1).
Genome position (GRCh38, 1-based): chr20:63,690,856, A>G. VCF-style: chr20-63690856-A-G. GRCh37 (hg19) VCF-style: chr20-62322209-A-G.
Other names: c.1796A>G, p.Gln599Arg (NM_001283010.1); c.2465A>G, p.Gln822Arg (NM_016434.4); c.2537A>G, p.Gln846Arg (NM_032957.5); short protein forms Q599R, Q846R, Q822R.
Identifiers: ClinVar variation 3948378 (VCV003948378.1).

ClinVar aggregate classification (germline): Uncertain significance (1 of 4 stars; one submission).

Conditions:
Inborn genetic diseases. Identifiers: MedGen C0950123, MeSH D030342.

Submission:

Ambry Genetics
Classification: Uncertain significance for Inborn genetic diseases. Last evaluated: 2025-05-08. Review status: criteria provided, single submitter. Criteria: Ambry Variant Classification Scheme 2023. Collection method: clinical testing. Allele origin: germline.
Comment: The p.Q822R variant (also known as c.2465A>G), located in coding exon 26 of the RTEL1 gene, results from an A to G substitution at nucleotide position 2465. The glutamine at codon 822 is replaced by arginine, an amino acid with highly similar properties. This amino acid position is conserved. In addition, this alteration is predicted to be tolerated by in silico analysis. Based on the available evidence, the clinical significance of this variant remains unclear.